The following is an entry in ClinVar:

ClinVar aggregate classification (germline): Pathogenic/Likely pathogenic. Review status: criteria provided, multiple submitters, no conflicts (2 of 4 stars). 2 submissions from 2 submitters: Pathogenic (1); Likely pathogenic (1). Last evaluated 2025-03-31.

Conditions:
Febrile seizures, familial, 4 (FEB4). Also called: CONVULSIONS, FAMILIAL FEBRILE, 4. Identifiers: MedGen C1858493, MONDO:0011443, OMIM 604352.
Usher syndrome type 2C. Also called: Usher syndrome, type 2B; USHER SYNDROME, TYPE IIC. Identifiers: Orphanet 231178, Orphanet 886, MedGen C2931213, MONDO:0011558, OMIM 605472.

gnomAD v4.1: 38 of 1,611,888 alleles (0.0024%); highest among the groups gnomAD compares: Non-Finnish European, 0.0029%; no homozygotes.

Submissions (2):

Labcorp Genetics (formerly Invitae), Labcorp
Classification: Pathogenic. Last evaluated: 2025-03-31. Review status: criteria provided, single submitter. Criteria: Invitae Variant Classification Sherloc (09022015). Collection method: clinical testing. Allele origin: germline.
Comment: This sequence change affects an acceptor splice site in intron 7 of the ADGRV1 gene. It is expected to disrupt RNA splicing. Variants that disrupt the donor or acceptor splice site typically lead to a loss of protein function (PMID: 16199547), and loss-of-function variants in ADGRV1 are known to be pathogenic (PMID: 19357117, 22135276, 22147658, 26226137, 30718709, 31047384, 32467589). This variant is not present in population databases (gnomAD no frequency). Disruption of this splice site has been observed in individuals with clinical features of autosomal recessive retinitis pigmentosa and/or Usher syndrome (internal data). ClinVar contains an entry for this variant (Variation ID: 1067661). Algorithms developed to predict the effect of sequence changes on RNA splicing suggest that this variant may disrupt the consensus splice site. For these reasons, this variant has been classified as Pathogenic.

Fulgent Genetics
Classification: Likely pathogenic for Febrile seizures, familial, 4; Usher syndrome type 2C. Last evaluated: 2024-02-23. Review status: criteria provided, single submitter. Criteria: ACMG Guidelines, 2015. Collection method: clinical testing. Allele origin: germline.

Literature cited by the submitters: PubMed 16199547 (cited by Labcorp Genetics (formerly Invitae), Labcorp); PubMed 19357117 (cited by Labcorp Genetics (formerly Invitae), Labcorp); PubMed 22135276 (cited by Labcorp Genetics (formerly Invitae), Labcorp); PubMed 22147658 (cited by Labcorp Genetics (formerly Invitae), Labcorp); PubMed 26226137 (cited by Labcorp Genetics (formerly Invitae), Labcorp); PubMed 30718709 (cited by Labcorp Genetics (formerly Invitae), Labcorp); PubMed 31047384 (cited by Labcorp Genetics (formerly Invitae), Labcorp); PubMed 32467589 (cited by Labcorp Genetics (formerly Invitae), Labcorp).

NM_032119.4(ADGRV1):c.1239-1G>T

Gene: ADGRV1 (adhesion G protein-coupled receptor V1; plus strand). Cytogenetic location: 5q14.3.
Variant type: single nucleotide variant.
Coding change: c.1239-1G>T on transcript NM_032119.4 (MANE Select); the canonical splice acceptor site of the intron before coding-DNA position 1239, G replaced by T.
Molecular consequence: splice acceptor variant.
Genome position (GRCh38, 1-based): chr5:90,628,561, G>T. VCF-style: chr5-90628561-G-T. GRCh37 (hg19) VCF-style: chr5-89924378-G-T.
Identifiers: ClinVar variation 1067661 (VCV001067661.8), dbSNP rs373015808, ClinGen allele CA3338652.